The following is an entry in ClinVar:

ClinVar aggregate classification (germline): Uncertain significance. Review status: criteria provided, multiple submitters, no conflicts (2 of 4 stars). 2 submissions from 2 submitters: Uncertain significance (2). Last evaluated 2023-12-05.

Conditions:
Familial hypercholesterolemia. Also called: Familial hypercholesterolemias; Familial hypercholesterolaemia. Identifiers: MedGen C0020445, MONDO:0005439.
Hypercholesterolemia, autosomal dominant, 3 (FHCL3). Also called: Familial hypercholesterolemia 3; Familial Hypercholesterolemia, Autosomal Dominant, 3; PCSK9-Related Familial Hypercholesterolemia, Autosomal Dominant. Identifiers: MedGen C1863551, MONDO:0011369, OMIM 603776.

Submissions (2):

Color Diagnostics, LLC DBA Color Health
Classification: Uncertain significance for Familial hypercholesterolemia. Last evaluated: 2023-12-05. Review status: criteria provided, single submitter. Criteria: ACMG Guidelines, 2015. Collection method: clinical testing. Allele origin: germline.
Comment: Variant of Uncertain Significance due to insufficient evidence: This missense variant is located in the signal peptide of the PCSK9 protein. Computational prediction tools and conservation analyses suggest that this amino acid position is poorly conserved through evolution and this variant may not impact the protein function. Computational splicing tools suggest that this variant may not impact RNA splicing. To our knowledge, functional assays have not been performed for this variant nor has this variant been reported in individuals affected with familial hypercholesterolemia in the literature. This variant is rare in the general population and has been identified in 0/277264 chromosomes by the Genome Aggregation Database (gnomAD). Available evidence is insufficient to determine the pathogenicity of this variant conclusively.

All of Us Research Program, National Institutes of Health
Classification: Uncertain significance for Hypercholesterolemia, autosomal dominant, 3. Last evaluated: 2023-08-15. Review status: criteria provided, single submitter. Criteria: ACMG Guidelines, 2015. Collection method: clinical testing. Allele origin: germline. Inheritance: Autosomal dominant inheritance. Observed: 1 variant allele, 1 heterozygote.
Comment: Variant of Uncertain Significance due to insufficient evidence: This missense variant is located in the signal peptide of the PCSK9 protein. Computational prediction tools and conservation analyses suggest that this amino acid position is poorly conserved through evolution and this variant may not impact the protein function. Computational splicing tools suggest that this variant may not impact RNA splicing. To our knowledge, functional assays have not been performed for this variant nor has this variant been reported in individuals affected with familial hypercholesterolemia in the literature. This variant is rare in the general population and has been identified in 0/277264 chromosomes by the Genome Aggregation Database (gnomAD). Available evidence is insufficient to determine the pathogenicity of this variant conclusively.

This study involves interpretation of variants in research participants for the purpose of population health screening. Participant phenotype was not available at the time of variant classification. Additional details can be found in publication PMID: 35346344, PMCID: PMC8962531

NM_174936.4(PCSK9):c.40C>T (p.Pro14Ser)

Gene: PCSK9 (proprotein convertase subtilisin/kexin type 9; plus strand). Cytogenetic location: 1p32.3.
Variant type: single nucleotide variant.
Coding change: c.40C>T on transcript NM_174936.4 (MANE Select); coding-DNA position 40, C replaced by T.
Protein change: p.Pro14Ser; replaces proline 14 with serine.
Molecular consequence: missense variant.
Genome position (GRCh38, 1-based): chr1:55,039,877, C>T. VCF-style: chr1-55039877-C-T. GRCh37 (hg19) VCF-style: chr1-55505550-C-T.
Other names: short protein forms P14S.
Identifiers: ClinVar variation 922622 (VCV000922622.6), dbSNP rs1644584325, ClinGen allele CA340482660.